The following is an entry in ClinVar:

ClinVar aggregate classification (germline): Uncertain significance (1 of 4 stars; one submission).

Conditions:
Catecholaminergic polymorphic ventricular tachycardia 1. Also called: RYR2-Related Catecholaminergic Polymorphic Ventricular Tachycardia; VENTRICULAR TACHYCARDIA, STRESS-INDUCED POLYMORPHIC 1; VENTRICULAR TACHYCARDIA, CATECHOLAMINERGIC POLYMORPHIC, 1, WITH OR WITHOUT ATRIAL DYSFUNCTION AND/OR DILATED CARDIOMYOPATHY. Identifiers: Orphanet 3286, MedGen C1631597, MONDO:0011484, OMIM 604772.

gnomAD v4.1: 1 of 1,591,188 alleles (0.000063%); no homozygotes.

Submission:

Labcorp Genetics (formerly Invitae), Labcorp
Classification: Uncertain significance for Catecholaminergic polymorphic ventricular tachycardia 1. Last evaluated: 2024-02-17. Review status: criteria provided, single submitter. Criteria: Invitae Variant Classification Sherloc (09022015). Collection method: clinical testing. Allele origin: germline.
Comment: This sequence change replaces glutamic acid, which is acidic and polar, with lysine, which is basic and polar, at codon 4430 of the RYR2 protein (p.Glu4430Lys). This variant is not present in population databases (gnomAD no frequency). This variant has not been reported in the literature in individuals affected with RYR2-related conditions. ClinVar contains an entry for this variant (Variation ID: 1414144). Advanced modeling of protein sequence and biophysical properties (such as structural, functional, and spatial information, amino acid conservation, physicochemical variation, residue mobility, and thermodynamic stability) performed at Invitae indicates that this missense variant is not expected to disrupt RYR2 protein function with a negative predictive value of 95%. In summary, the available evidence is currently insufficient to determine the role of this variant in disease. Therefore, it has been classified as a Variant of Uncertain Significance.

NM_001035.3(RYR2):c.13288G>A (p.Glu4430Lys)

Gene: RYR2 (ryanodine receptor 2; plus strand). Cytogenetic location: 1q43.
Variant type: single nucleotide variant.
Coding change: c.13288G>A on transcript NM_001035.3 (MANE Select); coding-DNA position 13288, G replaced by A.
Protein change: p.Glu4430Lys; replaces glutamic acid 4430 with lysine.
Molecular consequence: missense variant.
Genome position (GRCh38, 1-based): chr1:237,785,996, G>A. VCF-style: chr1-237785996-G-A. GRCh37 (hg19) VCF-style: chr1-237949296-G-A.
Other names: short protein forms E4430K.
Identifiers: ClinVar variation 1414144 (VCV001414144.7), dbSNP rs2149359974, ClinGen allele CA345415854.